The following is an entry in ClinVar:

NM_001077365.2(POMT1):c.428-2A>G

Gene: POMT1 (protein O-mannosyltransferase 1; plus strand). Cytogenetic location: 9q34.13.
Variant type: single nucleotide variant.
Coding change: c.428-2A>G on transcript NM_001077365.2 (MANE Select); the canonical splice acceptor site of the intron before coding-DNA position 428, A replaced by G.
Molecular consequence: splice acceptor variant.
Genome position (GRCh38, 1-based): chr9:131,508,909, A>G. VCF-style: chr9-131508909-A-G. GRCh37 (hg19) VCF-style: chr9-134384296-A-G.
Other names: c.266-2A>G (NM_001353198.2, NM_001353194.2, NM_001374689.1 and 3 more transcripts); c.428-2A>G (NM_001353193.2, NM_001136113.2, NM_007171.4 and 1 more transcripts); c.77-2A>G (NM_001374691.1, NM_001353195.2, NM_001374692.1 and 2 more transcripts); c.338-2A>G (NM_001353196.2); c.-29-2A>G (NM_001374695.1, NM_001353200.2); c.-709-2A>G (NM_001411024.1).
Identifiers: ClinVar variation 452621 (VCV000452621.5), dbSNP rs1554773448, ClinGen allele CA375306861.
Genomic context (GRCh38, chr9:131,508,909, plus strand): 5'-TTCATCCTCATACGTTTTCCCTTGCTACCTTAAAATTGACATGTGTTTCCTCTTTGAAAC[A>G]GAGAATGCTCTCATCACTCAGTCAAGGCTAATGCTTTTGGAATCAGTGTTAATATTTTTC-3'

ClinVar aggregate classification (germline): Likely pathogenic. Review status: criteria provided, multiple submitters, no conflicts (2 of 4 stars). 2 submissions from 2 submitters: Likely pathogenic (2). Last evaluated 2023-07-28.

Conditions:
Autosomal recessive limb-girdle muscular dystrophy type 2K. Also called: MUSCULAR DYSTROPHY, LIMB-GIRDLE, TYPE 2K; MUSCULAR DYSTROPHY-DYSTROGLYCANOPATHY (LIMB-GIRDLE), TYPE C, 1. Identifiers: Orphanet 86812, MedGen C1836373, MONDO:0012248, OMIM 609308.
Walker-Warburg congenital muscular dystrophy. Also called: Muscular dystrophy-dystroglycanopathy, type A; Walker-Warburg syndrome. Identifiers: Orphanet 899, MedGen C0265221, MONDO:0000171.
Muscular dystrophy-dystroglycanopathy (congenital with impaired intellectual development), type B, 1. Also called: Muscular dystrophy-dystroglycanopathy (congenital with intellectual disability), type B1; MUSCULAR DYSTROPHY, CONGENITAL, POMT1-RELATED. Identifiers: MedGen C5436962, MONDO:0013159, OMIM 613155.

Submissions (2):

Labcorp Genetics (formerly Invitae), Labcorp
Classification: Likely pathogenic for Muscular dystrophy-dystroglycanopathy (congenital with impaired intellectual development), type B, 1; Walker-Warburg congenital muscular dystrophy; Autosomal recessive limb-girdle muscular dystrophy type 2K. Last evaluated: 2023-07-28. Review status: criteria provided, single submitter. Criteria: Invitae Variant Classification Sherloc (09022015). Collection method: clinical testing. Allele origin: germline.
Comment: Algorithms developed to predict the effect of sequence changes on RNA splicing suggest that this variant may disrupt the consensus splice site. In summary, the currently available evidence indicates that the variant is pathogenic, but additional data are needed to prove that conclusively. Therefore, this variant has been classified as Likely Pathogenic. ClinVar contains an entry for this variant (Variation ID: 452621). This variant has not been reported in the literature in individuals affected with POMT1-related conditions. This variant is not present in population databases (gnomAD no frequency). This sequence change affects an acceptor splice site in intron 5 of the POMT1 gene. It is expected to disrupt RNA splicing. Variants that disrupt the donor or acceptor splice site typically lead to a loss of protein function (PMID: 16199547), and loss-of-function variants in POMT1 are known to be pathogenic (PMID: 12369018, 15637732, 16575835).

GeneDx
Classification: Likely pathogenic. Last evaluated: 2017-10-11. Review status: criteria provided, single submitter. Criteria: GeneDx Variant Classification (06012015). Collection method: clinical testing. Allele origin: germline. Affected: yes.
Comment: The c.428-2 A>G variant in the POMT1 gene destroys the canonical splice acceptor site in intron 5. It is predicted to cause abnormal gene splicing, either leading to an abnormal message that is subject to nonsense-mediated mRNA decay, or to an abnormal protein product if the message is used for protein translation. The c.428-2 A>G variant is not observed in large population cohorts (Lek et al., 2016). Although this variant has not been reported to our knowledge, other splice variants in the POMT1 gene have been reported in the Human Gene Mutation Database in association with POMT1-related disorders (Stenson et al., 2014).

Literature cited by the submitters: PubMed 16199547 (cited by Labcorp Genetics (formerly Invitae), Labcorp); PubMed 12369018 (cited by Labcorp Genetics (formerly Invitae), Labcorp); PubMed 15637732 (cited by Labcorp Genetics (formerly Invitae), Labcorp); PubMed 16575835 (cited by Labcorp Genetics (formerly Invitae), Labcorp).